The following is an entry in ClinVar:

NM_012233.3(RAB3GAP1):c.2470C>G (p.Pro824Ala)

Gene: RAB3GAP1 (RAB3 GTPase activating protein catalytic subunit 1; plus strand). Cytogenetic location: 2q21.3.
Variant type: single nucleotide variant.
Coding change: c.2470C>G on transcript NM_012233.3 (MANE Select); coding-DNA position 2470, C replaced by G.
Protein change: p.Pro824Ala; replaces proline 824 with alanine.
Molecular consequence: missense variant.
Genome position (GRCh38, 1-based): chr2:135,162,831, C>G. VCF-style: chr2-135162831-C-G. GRCh37 (hg19) VCF-style: chr2-135920401-C-G.
Other names: p.Pro824Ala; c.2470C>G, p.Pro824Ala (NM_001172435.2); short protein forms P824A.
Identifiers: ClinVar variation 3380839 (VCV003380839.1).

ClinVar aggregate classification (germline): Uncertain significance (1 of 4 stars; one submission).

Submission:

Mayo Clinic Laboratories, Mayo Clinic
Classification: Uncertain significance. Last evaluated: 2023-10-23. Review status: criteria provided, single submitter. Criteria: ACMG Guidelines, 2015. Collection method: clinical testing. Allele origin: germline. Observed: 1 variant allele.
Comment: BP4, PM2_moderate